The following is an entry in ClinVar:

ClinVar aggregate classification (germline): Uncertain significance (1 of 4 stars; one submission).

Conditions:
Mowat-Wilson syndrome (MOWS). Also called: Classic Mowat-Wilson Syndrome. Identifiers: Orphanet 2152, MedGen C1856113, MONDO:0009341, OMIM 235730.

Submission:

Labcorp Genetics (formerly Invitae), Labcorp
Classification: Uncertain significance for Mowat-Wilson syndrome. Last evaluated: 2020-03-10. Review status: criteria provided, single submitter. Criteria: Invitae Variant Classification Sherloc (09022015). Collection method: clinical testing. Allele origin: germline.
Comment: In summary, the available evidence is currently insufficient to determine the role of this variant in disease. Therefore, it has been classified as a Variant of Uncertain Significance. Algorithms developed to predict the effect of missense changes on protein structure and function (SIFT, PolyPhen-2, Align-GVGD) all suggest that this variant is likely to be tolerated, but these predictions have not been confirmed by published functional studies and their clinical significance is uncertain. This variant has not been reported in the literature in individuals with ZEB2-related conditions. This variant is not present in population databases (ExAC no frequency). This sequence change replaces glycine with serine at codon 1134 of the ZEB2 protein (p.Gly1134Ser). The glycine residue is moderately conserved and there is a small physicochemical difference between glycine and serine.

NM_014795.4(ZEB2):c.3400G>A (p.Gly1134Ser)

Gene: ZEB2 (zinc finger E-box binding homeobox 2; minus strand). Cytogenetic location: 2q22.3.
Variant type: single nucleotide variant.
Coding change: c.3400G>A on transcript NM_014795.4 (MANE Select); coding-DNA position 3400, G replaced by A.
Protein change: p.Gly1134Ser; replaces glycine 1134 with serine.
Molecular consequence: missense variant.
Genome position (GRCh38, 1-based): chr2:144,389,696, C>T on the plus strand (G>A on the coding strand, the complement: ZEB2 is on the minus strand). VCF-style: chr2-144389696-C-T. GRCh37 (hg19) VCF-style: chr2-145147263-C-T.
Other names: c.3328G>A, p.Gly1110Ser (NM_001171653.2); short protein forms G1110S, G1134S.
Identifiers: ClinVar variation 1018933 (VCV001018933.8), dbSNP rs1703129364, ClinGen allele CA348699396.
Genomic context (GRCh38, chr2:144,389,696, plus strand): 5'-GTCTGCCCAGCTTCCCGTAGCCATCCTCGCCTTCTTTCTCGTGCTCCTTCTCGCTCTCGC[C>T]ATCCCTCGGCATACTCTCCCTCTCCTCCGAGTCAGAGTACCCCTGAGGGGTAATGCTCTG-3'
Protein context (NP_055610.1, residues 1124-1144): SEERESMPRD[Gly1134Ser]ESEKEHEKEG